The following is an entry in ClinVar:

NM_001127511.3(APC):c.-205C>T

Genes: APC (APC regulator of Wnt signaling pathway; plus strand), LOC129994371 (ATAC-STARR-seq lymphoblastoid active region 22910; plus strand). Cytogenetic location: 5q22.2.
Variant type: single nucleotide variant.
Coding change: c.-205C>T on transcript NM_001127511.3; 205 bases upstream of the start codon, C replaced by T.
Molecular consequence: 5 prime UTR variant. On other transcripts: non-coding transcript variant (2).
Genome position (GRCh38, 1-based): chr5:112,707,513, C>T. VCF-style: chr5-112707513-C-T. GRCh37 (hg19) VCF-style: chr5-112043210-C-T.
Other names: c.-388C>T (NM_001407469.1, NM_001354895.2, NM_001407447.1 and 3 more transcripts); c.-1423C>T (NM_001407470.1, NM_001407472.1); c.-205C>T (NM_001354897.2, NM_001354902.2, NM_001407446.1); c.-155C>T (NM_001407448.1, NM_001407450.1, NM_001407457.1 and 1 more transcripts); c.-179C>T (NM_001407453.1).
Identifiers: ClinVar variation 1016911 (VCV001016911.9), dbSNP rs1750569011, ClinGen allele CA1573442377.

ClinVar aggregate classification (germline): Uncertain significance (1 of 4 stars; one submission).

Conditions:
Familial adenomatous polyposis 1 (FAP1). Also called: FAMILIAL ADENOMATOUS POLYPOSIS 1, ATTENUATED; POLYPOSIS, ADENOMATOUS INTESTINAL. Identifiers: MedGen C2713442, MONDO:0021056, OMIM 175100. Disease mechanism: loss of function.

Submission:

Labcorp Genetics (formerly Invitae), Labcorp
Classification: Uncertain significance for Familial adenomatous polyposis 1. Last evaluated: 2022-07-11. Review status: criteria provided, single submitter. Criteria: Invitae Variant Classification Sherloc (09022015). Collection method: clinical testing. Allele origin: germline.
Comment: This variant is not present in population databases (gnomAD no frequency). This variant occurs in a non-coding region of the APC gene. It does not change the encoded amino acid sequence of the APC protein. This variant has not been reported in the literature in individuals affected with APC-related conditions. Experimental studies and prediction algorithms are not available or were not evaluated, and the functional significance of this variant is currently unknown. In summary, the available evidence is currently insufficient to determine the role of this variant in disease. Therefore, it has been classified as a Variant of Uncertain Significance.